The following is an entry in ClinVar:

NM_000245.4(MET):c.1687C>T (p.Pro563Ser)

Gene: MET (MET proto-oncogene, receptor tyrosine kinase; plus strand). Cytogenetic location: 7q31.2.
Variant type: single nucleotide variant.
Coding change: c.1687C>T on transcript NM_000245.4 (MANE Select); coding-DNA position 1687, C replaced by T.
Protein change: p.Pro563Ser; replaces proline 563 with serine.
Molecular consequence: missense variant.
Genome position (GRCh38, 1-based): chr7:116,741,011, C>T. VCF-style: chr7-116741011-C-T. GRCh37 (hg19) VCF-style: chr7-116381065-C-T.
Other names: c.1687C>T, p.Pro563Ser (NM_001127500.3, NM_001324401.3); c.397C>T, p.Pro133Ser (NM_001324402.2); short protein forms P563S, P133S.
Identifiers: ClinVar variation 2010734 (VCV002010734.4), dbSNP rs2116837951, ClinGen allele CA368975889.

ClinVar aggregate classification (germline): Uncertain significance (1 of 4 stars; one submission).

Conditions:
Renal cell carcinoma. Identifiers: Orphanet 217071, MedGen C0007134, MeSH D002292, MONDO:0005086, HP:0005584.

Submission:

Labcorp Genetics (formerly Invitae), Labcorp
Classification: Uncertain significance for Renal cell carcinoma. Last evaluated: 2022-09-02. Review status: criteria provided, single submitter. Criteria: Invitae Variant Classification Sherloc (09022015). Collection method: clinical testing. Allele origin: germline.
Comment: In summary, the available evidence is currently insufficient to determine the role of this variant in disease. Therefore, it has been classified as a Variant of Uncertain Significance. Algorithms developed to predict the effect of missense changes on protein structure and function are either unavailable or do not agree on the potential impact of this missense change (SIFT: "Tolerated"; PolyPhen-2: "Probably Damaging"; Align-GVGD: "Class C0"). This variant has not been reported in the literature in individuals affected with MET-related conditions. This variant is not present in population databases (gnomAD no frequency). This sequence change replaces proline, which is neutral and non-polar, with serine, which is neutral and polar, at codon 563 of the MET protein (p.Pro563Ser).